The following is an entry in ClinVar:

NM_207352.4(CYP4V2):c.1040C>G (p.Ser347Cys)

Gene: CYP4V2 (cytochrome P450 family 4 subfamily V member 2; plus strand). Cytogenetic location: 4q35.2.
Variant type: single nucleotide variant.
Coding change: c.1040C>G on transcript NM_207352.4 (MANE Select); coding-DNA position 1040, C replaced by G.
Protein change: p.Ser347Cys; replaces serine 347 with cysteine.
Molecular consequence: missense variant.
Genome position (GRCh38, 1-based): chr4:186,205,252, C>G. VCF-style: chr4-186205252-C-G. GRCh37 (hg19) VCF-style: chr4-187126406-C-G.
Other names: short protein forms S347C.
Identifiers: ClinVar variation 1469556 (VCV001469556.6), dbSNP rs2126595507, ClinGen allele CA358949363.

ClinVar aggregate classification (germline): Uncertain significance (1 of 4 stars; one submission).

Submission:

Labcorp Genetics (formerly Invitae), Labcorp
Classification: Uncertain significance. Last evaluated: 2023-11-13. Review status: criteria provided, single submitter. Criteria: Invitae Variant Classification Sherloc (09022015). Collection method: clinical testing. Allele origin: germline.
Comment: This sequence change replaces serine, which is neutral and polar, with cysteine, which is neutral and slightly polar, at codon 347 of the CYP4V2 protein (p.Ser347Cys). This variant is not present in population databases (gnomAD no frequency). This variant has not been reported in the literature in individuals affected with CYP4V2-related conditions. ClinVar contains an entry for this variant (Variation ID: 1469556). Algorithms developed to predict the effect of missense changes on protein structure and function output the following: SIFT: "Not Available"; PolyPhen-2: "Benign"; Align-GVGD: "Not Available". The cysteine amino acid residue is found in multiple mammalian species, which suggests that this missense change does not adversely affect protein function. In summary, the available evidence is currently insufficient to determine the role of this variant in disease. Therefore, it has been classified as a Variant of Uncertain Significance.